The following is an entry in ClinVar:

NM_005144.5(HR):c.1172T>C (p.Phe391Ser)

Gene: HR (HR lysine demethylase and nuclear receptor corepressor; minus strand). Cytogenetic location: 8p21.3.
Variant type: single nucleotide variant.
Coding change: c.1172T>C on transcript NM_005144.5 (MANE Select); coding-DNA position 1172, T replaced by C.
Protein change: p.Phe391Ser; replaces phenylalanine 391 with serine.
Molecular consequence: missense variant.
Genome position (GRCh38, 1-based): chr8:22,127,270, A>G on the plus strand (T>C on the coding strand, the complement: HR is on the minus strand). VCF-style: chr8-22127270-A-G. GRCh37 (hg19) VCF-style: chr8-21984783-A-G.
Other names: c.1172T>C, p.Phe391Ser (NM_018411.4); short protein forms F391S.
Identifiers: ClinVar variation 4696090 (VCV004696090.1).

ClinVar aggregate classification (germline): Uncertain significance (1 of 4 stars; one submission).

gnomAD v4.1: 9 of 1,613,114 alleles (0.00056%); highest among the groups gnomAD compares: South Asian, 0.0044%; no homozygotes.

Submission:

Labcorp Genetics (formerly Invitae), Labcorp
Classification: Uncertain significance. Last evaluated: 2025-06-12. Review status: criteria provided, single submitter. Criteria: Invitae Variant Classification Sherloc (09022015). Collection method: clinical testing. Allele origin: germline.
Comment: This sequence change replaces phenylalanine, which is neutral and non-polar, with serine, which is neutral and polar, at codon 391 of the HR protein (p.Phe391Ser). This variant is present in population databases (rs751383910, gnomAD 0.006%). This variant has not been reported in the literature in individuals affected with HR-related conditions. An algorithm developed to predict the effect of missense changes on protein structure and function (PolyPhen-2) suggests that this variant is likely to be disruptive. In summary, the available evidence is currently insufficient to determine the role of this variant in disease. Therefore, it has been classified as a Variant of Uncertain Significance.